The following is an entry in ClinVar:

NM_000530.8(MPZ):c.10G>T (p.Gly4Trp)

Gene: MPZ (myelin protein zero; minus strand). Cytogenetic location: 1q23.3.
Variant type: single nucleotide variant.
Coding change: c.10G>T on transcript NM_000530.8 (MANE Select); coding-DNA position 10, G replaced by T.
Protein change: p.Gly4Trp; replaces glycine 4 with tryptophan.
Molecular consequence: missense variant.
Genome position (GRCh38, 1-based): chr1:161,309,896, C>A on the plus strand (G>T on the coding strand, the complement: MPZ is on the minus strand). VCF-style: chr1-161309896-C-A. GRCh37 (hg19) VCF-style: chr1-161279686-C-A.
Other names: c.10G>T (LRG_256t1); c.10G>T, p.Gly4Trp (NM_001315491.2); short protein forms G4W.
Identifiers: ClinVar variation 581415 (VCV000581415.10), dbSNP rs1558155851, ClinGen allele CA343353279.
Genomic context (GRCh38, chr1:161,309,896, plus strand): 5'-TACCCAAAGAAGAGAAGAGCAGCACAGCCAGGATAGGGCTGGGGCTGGATGAGGGAGCCC[C>A]AGGAGCCATAGCTGGGGCAGGGGCAGGGGCCCGGAGCATCTGTGGGGTTGAGAAAGTGGG-3'
Protein context (NP_000521.2, residues 1-14): MAP[Gly4Trp]APSSSPSPIL

ClinVar aggregate classification (germline): Uncertain significance (1 of 4 stars; one submission).

Conditions:
Charcot-Marie-Tooth disease, type I (CMT1). Also called: Charcot-Marie-Tooth disease type 1; Charcot-Marie-Tooth, Type 1. Identifiers: Orphanet 65753, MedGen C0751036, MONDO:0019011.

Allele frequency attached by ClinVar (database versions not stated): gnomAD exomes below 0.00001.
gnomAD v4.1: 4 of 1,588,600 alleles (0.00025%); highest among the groups gnomAD compares: Non-Finnish European, 0.00034%; no homozygotes.

Submission:

Labcorp Genetics (formerly Invitae), Labcorp
Classification: Uncertain significance for Charcot-Marie-Tooth disease, type I. Last evaluated: 2021-03-28. Review status: criteria provided, single submitter. Criteria: Invitae Variant Classification Sherloc (09022015). Collection method: clinical testing. Allele origin: germline.
Comment: In summary, the available evidence is currently insufficient to determine the role of this variant in disease. Therefore, it has been classified as a Variant of Uncertain Significance. This variant has not been reported in the literature in individuals with MPZ-related disease. This variant is not present in population databases (ExAC no frequency). This sequence change replaces glycine with tryptophan at codon 4 of the MPZ protein (p.Gly4Trp). The glycine residue is highly conserved and there is a large physicochemical difference between glycine and tryptophan.